The following is an entry in ClinVar:

ClinVar aggregate classification (germline): Uncertain significance (1 of 4 stars; one submission).

Conditions:
PHGDH deficiency. Identifiers: Orphanet 79351, MedGen C1866174, MONDO:0011152, OMIM 601815.

Allele frequency attached by ClinVar (database versions not stated): TOPMed below 0.00001; ExAC 0.00001; gnomAD exomes 0.00001.
gnomAD v4.1: 9 of 1,613,750 alleles (0.00056%); highest among the groups gnomAD compares: Admixed American, 0.0017%; no homozygotes.

Submission:

Labcorp Genetics (formerly Invitae), Labcorp
Classification: Uncertain significance for PHGDH deficiency. Last evaluated: 2022-07-17. Review status: criteria provided, single submitter. Criteria: Invitae Variant Classification Sherloc (09022015). Collection method: clinical testing. Allele origin: germline.
Comment: This sequence change replaces glycine, which is neutral and non-polar, with arginine, which is basic and polar, at codon 256 of the PHGDH protein (p.Gly256Arg). This variant is present in population databases (rs768304003, gnomAD 0.003%). This variant has not been reported in the literature in individuals affected with PHGDH-related conditions. Algorithms developed to predict the effect of missense changes on protein structure and function are either unavailable or do not agree on the potential impact of this missense change (SIFT: "Deleterious"; PolyPhen-2: "Probably Damaging"; Align-GVGD: "Class C0"). In summary, the available evidence is currently insufficient to determine the role of this variant in disease. Therefore, it has been classified as a Variant of Uncertain Significance.

NM_006623.4(PHGDH):c.766G>A (p.Gly256Arg)

Gene: PHGDH (phosphoglycerate dehydrogenase; plus strand). Cytogenetic location: 1p12.
Variant type: single nucleotide variant.
Coding change: c.766G>A on transcript NM_006623.4 (MANE Select); coding-DNA position 766, G replaced by A.
Protein change: p.Gly256Arg; replaces glycine 256 with arginine.
Molecular consequence: missense variant.
Genome position (GRCh38, 1-based): chr1:119,735,417, G>A. VCF-style: chr1-119735417-G-A. GRCh37 (hg19) VCF-style: chr1-120278040-G-A.
Other names: short protein forms G256R.
Identifiers: ClinVar variation 2056223 (VCV002056223.1), dbSNP rs768304003, ClinGen allele CA1037240.